The following is an entry in ClinVar:

NM_001114753.3(ENG):c.1286T>A (p.Ile429Asn)

Genes: ENG (endoglin; minus strand), LOC102723566 (uncharacterized LOC102723566; plus strand). Cytogenetic location: 9q34.11.
Variant type: single nucleotide variant.
Coding change: c.1286T>A on transcript NM_001114753.3 (MANE Select); coding-DNA position 1286, T replaced by A.
Protein change: p.Ile429Asn; replaces isoleucine 429 with asparagine.
Molecular consequence: missense variant.
Genome position (GRCh38, 1-based): chr9:127,819,647, A>T on the plus strand (T>A on the coding strand, the complement: ENG is on the minus strand). VCF-style: chr9-127819647-A-T. GRCh37 (hg19) VCF-style: chr9-130581926-A-T.
Other names: p.Ile429Asn; c.1286T>A, p.Ile429Asn (NM_000118.4); c.740T>A, p.Ile247Asn (NM_001278138.2); short protein forms I429N, I247N.
Identifiers: ClinVar variation 4541475 (VCV004541475.1).

ClinVar aggregate classification (germline): Uncertain significance (1 of 4 stars; one submission).

Submission:

Mayo Clinic Laboratories, Mayo Clinic
Classification: Uncertain significance. Last evaluated: 2025-08-01. Review status: criteria provided, single submitter. Criteria: ACMG Guidelines, 2015. Collection method: clinical testing. Allele origin: germline. Observed: 1 variant allele.
Comment: BP4, PP2